The following is an entry in ClinVar:

NM_002234.4(KCNA5):c.1208G>T (p.Arg403Leu)

Gene: KCNA5 (potassium voltage-gated channel subfamily A member 5; plus strand). Cytogenetic location: 12p13.32.
Variant type: single nucleotide variant.
Coding change: c.1208G>T on transcript NM_002234.4 (MANE Select); coding-DNA position 1208, G replaced by T.
Protein change: p.Arg403Leu; replaces arginine 403 with leucine.
Molecular consequence: missense variant.
Genome position (GRCh38, 1-based): chr12:5,045,355, G>T. VCF-style: chr12-5045355-G-T. GRCh37 (hg19) VCF-style: chr12-5154521-G-T.
Other names: short protein forms R403L.
Identifiers: ClinVar variation 2913648 (VCV002913648.3), dbSNP rs774169892, ClinGen allele CA6399823.

ClinVar aggregate classification (germline): Uncertain significance (1 of 4 stars; one submission).

Conditions:
Atrial fibrillation, familial, 7 (ATFB7). Identifiers: MedGen C2677106, MONDO:0012828, OMIM 612240.

Allele frequency attached by ClinVar (database versions not stated): TOPMed below 0.00001; gnomAD 0.00002; ExAC 0.00003.

Submission:

Labcorp Genetics (formerly Invitae), Labcorp
Classification: Uncertain significance for Atrial fibrillation, familial, 7. Last evaluated: 2023-11-14. Review status: criteria provided, single submitter. Criteria: Invitae Variant Classification Sherloc (09022015). Collection method: clinical testing. Allele origin: germline.
Comment: This sequence change replaces arginine, which is basic and polar, with leucine, which is neutral and non-polar, at codon 403 of the KCNA5 protein (p.Arg403Leu). This variant is present in population databases (rs774169892, gnomAD 0.03%). This variant has not been reported in the literature in individuals affected with KCNA5-related conditions. Advanced modeling of protein sequence and biophysical properties (such as structural, functional, and spatial information, amino acid conservation, physicochemical variation, residue mobility, and thermodynamic stability) performed at Invitae indicates that this missense variant is expected to disrupt KCNA5 protein function with a positive predictive value of 80%. In summary, the available evidence is currently insufficient to determine the role of this variant in disease. Therefore, it has been classified as a Variant of Uncertain Significance.